The following is an entry in ClinVar:

NM_001330078.2(NRXN1):c.511C>G (p.Leu171Val)

Gene: NRXN1 (neurexin 1; minus strand). Cytogenetic location: 2p16.3.
Variant type: single nucleotide variant.
Coding change: c.511C>G on transcript NM_001330078.2 (MANE Select); coding-DNA position 511, C replaced by G.
Protein change: p.Leu171Val; replaces leucine 171 with valine.
Molecular consequence: missense variant.
Genome position (GRCh38, 1-based): chr2:51,027,763, G>C on the plus strand (C>G on the coding strand, the complement: NRXN1 is on the minus strand). VCF-style: chr2-51027763-G-C. GRCh37 (hg19) VCF-style: chr2-51254901-G-C.
Other names: c.511C>G, p.Leu171Val (NM_001135659.3, NM_001330077.2, NM_001330079.2 and 15 more transcripts); short protein forms L171V.
Identifiers: ClinVar variation 4702719 (VCV004702719.1).

ClinVar aggregate classification (germline): Uncertain significance (1 of 4 stars; one submission).

Conditions:
Pitt-Hopkins-like syndrome 2 (PTHSL2). Identifiers: Orphanet 221150, Orphanet 600663, MedGen C3280479, MONDO:0013690, OMIM 614325.

Submission:

Labcorp Genetics (formerly Invitae), Labcorp
Classification: Uncertain significance for Pitt-Hopkins-like syndrome 2. Last evaluated: 2025-07-02. Review status: criteria provided, single submitter. Criteria: Invitae Variant Classification Sherloc (09022015). Collection method: clinical testing. Allele origin: germline.
Comment: This sequence change replaces leucine, which is neutral and non-polar, with valine, which is neutral and non-polar, at codon 171 of the NRXN1 protein (p.Leu171Val). This variant is not present in population databases (gnomAD no frequency). This variant has not been reported in the literature in individuals affected with NRXN1-related conditions. An algorithm developed to predict the effect of missense changes on protein structure and function (PolyPhen-2) suggests that this variant is likely to be tolerated. In summary, the available evidence is currently insufficient to determine the role of this variant in disease. Therefore, it has been classified as a Variant of Uncertain Significance.